The following is an entry in ClinVar:

NM_181458.4(PAX3):c.572T>C (p.Ile191Thr)

Gene: PAX3 (paired box 3; minus strand). Cytogenetic location: 2q36.1.
Variant type: single nucleotide variant.
Coding change: c.572T>C on transcript NM_181458.4 (MANE Select); coding-DNA position 572, T replaced by C.
Protein change: p.Ile191Thr; replaces isoleucine 191 with threonine.
Molecular consequence: missense variant.
Genome position (GRCh38, 1-based): chr2:222,294,181, A>G on the plus strand (T>C on the coding strand, the complement: PAX3 is on the minus strand). VCF-style: chr2-222294181-A-G. GRCh37 (hg19) VCF-style: chr2-223158900-A-G.
Other names: c.572T>C, p.Ile191Thr (NM_000438.6, NM_013942.5, NM_181457.4 and 3 more transcripts); c.569T>C, p.Ile190Thr (NM_001127366.3); short protein forms I191T, I190T.
Identifiers: ClinVar variation 229127 (VCV000229127.18), dbSNP rs199560470, ClinGen allele CA2135689.
Genomic context (GRCh38, chr2:222,294,181, plus strand): 5'-CTCCAAGTCACCCAGCAAGTGCGCCGCCCAAGGCGCCACCGCTTACCTCGCTCGCTCAGG[A>G]TGCCGTCGATGCTGTGTTTGGCCTTCTTCTCGCTTTCCTCTGCCTCCTTCCTCTCCAAGT-3'
Protein context (NP_852123.1, residues 181-201): EKKAKHSIDG[Ile191Thr]LSERASAPQS

ClinVar aggregate classification (germline): Conflicting classifications of pathogenicity. Review status: criteria provided, conflicting classifications (1 of 4 stars). 4 submissions from 4 submitters: Uncertain significance (1); Likely benign (2). 1 of the submissions does not count toward it. Last evaluated 2026-01-27.

Conditions:
PAX3-related disorder. Also called: PAX3-related condition.

Allele frequency attached by ClinVar (database versions not stated): gnomAD 0.00002 and 0.00003; gnomAD exomes 0.00007 and 0.00037; 1000 Genomes Project 30x 0.00016; TOPMed 0.00019; 1000 Genomes Project 0.00020; ExAC 0.00021.
gnomAD v4.1: 104 of 1,614,206 alleles (0.0064%); highest among the groups gnomAD compares: Admixed American, 0.17%; 1 homozygote.

Submissions (4):

Labcorp Genetics (formerly Invitae), Labcorp
Classification: Likely benign. Last evaluated: 2026-01-27. Review status: criteria provided, single submitter. Criteria: Invitae Variant Classification Sherloc (09022015). Collection method: clinical testing. Allele origin: germline.

GeneDx
Classification: Likely benign. Last evaluated: 2020-05-18. Review status: criteria provided, single submitter. Criteria: GeneDx Variant Classification Process June 2021. Collection method: clinical testing. Allele origin: germline. Affected: yes.

Laboratory for Molecular Medicine, Mass General Brigham Personalized Medicine
Classification: Uncertain significance. Last evaluated: 2017-09-28. Review status: criteria provided, single submitter. Criteria: LMM Criteria. Collection method: clinical testing. Allele origin: germline. Observed: 2 variant alleles.
Comment: Variant classified as Uncertain Significance - Favor Benign. Although this variant has been seen in th e general population, its frequency is not high enough to rule out a pathogenic role. Computational prediction tools and conservation analyses suggest that this variant may impact the protein, though this information is not predictive enoug h to determine pathogenicity. In summary, while the clinical significance of the p.Ile191Thr variant is uncertain, the frequency data in the general population suggest that it is more likely to be benign. ACMG/AMP Criteria applied: BS1, PP3 (Richards 2015).

PreventionGenetics, part of Exact Sciences
Classification: Likely benign for PAX3-related condition. Last evaluated: 2022-05-09. Review status: no assertion criteria provided. Collection method: clinical testing. Allele origin: germline. Not counted in ClinVar's aggregate classification.
Comment: This variant is classified as likely benign based on ACMG/AMP sequence variant interpretation guidelines (Richards et al. 2015 PMID: 25741868, with internal and published modifications).